The following is an entry in ClinVar:

ClinVar aggregate classification (germline): Conflicting classifications of pathogenicity. Review status: criteria provided, conflicting classifications (1 of 4 stars). 4 submissions from 4 submitters: Pathogenic (2); Uncertain significance (2). Last evaluated 2026-03-11.

Conditions:
ARG1-related disorder. Also called: ARG1-related condition.
Arginase deficiency. Also called: ARGININEMIA; ARG1 DEFICIENCY; Arginase 1 Deficiency. Identifiers: Orphanet 90, MedGen C0268548, MONDO:0008814, OMIM 207800.

Allele frequency attached by ClinVar (database versions not stated): gnomAD exomes 0.00002 and 0.00001; TOPMed 0.00002; ExAC 0.00002.
gnomAD v4.1: 8 of 1,613,940 alleles (0.0005%); highest among the groups gnomAD compares: Admixed American, 0.013%; no homozygotes.

Submissions (4):

Stanford Starfish Project, Stanford University
Classification: Pathogenic for Arginase deficiency. Last evaluated: 2026-03-11. Review status: criteria provided, single submitter. Criteria: ACMG Guidelines, 2015. Collection method: provider interpretation. Allele origin: germline. Inheritance: Autosomal recessive inheritance. Affected: yes. Observed: 1 variant allele, 1 homozygote.
Comment: This variant is predicted to result in the substitution of aspartic acid by glutamic acid at amino acid 204 (p.Asp204Glu). This variant is rare in large population databases, present in 8/60022 alleles in Admixed American populations. See Observation 1 for details on clinical features.

Labcorp Genetics (formerly Invitae), Labcorp
Classification: Pathogenic for Arginase deficiency. Last evaluated: 2025-09-24. Review status: criteria provided, single submitter. Criteria: Invitae Variant Classification Sherloc (09022015). Collection method: clinical testing. Allele origin: germline.
Comment: This sequence change replaces aspartic acid, which is acidic and polar, with glutamic acid, which is acidic and polar, at codon 204 of the ARG1 protein (p.Asp204Glu). This variant is present in population databases (rs775435820, gnomAD 0.02%). This missense change has been observed in individual(s) with arginase deficiency (external communication). ClinVar contains an entry for this variant (Variation ID: 660386). Invitae Evidence Modeling of protein sequence and biophysical properties (such as structural, functional, and spatial information, amino acid conservation, physicochemical variation, residue mobility, and thermodynamic stability) indicates that this missense variant is not expected to disrupt ARG1 protein function with a negative predictive value of 80%. Experimental studies have shown that this missense change does not substantially affect ARG1 function (PMID: 32450233). This variant disrupts the p.Asp204 amino acid residue in ARG1. Other variant(s) that disrupt this residue have been determined to be pathogenic (external communication). This suggests that this residue is clinically significant, and that variants that disrupt this residue are likely to be disease-causing. For these reasons, this variant has been classified as Pathogenic.

GeneDx
Classification: Uncertain significance. Last evaluated: 2024-12-30. Review status: criteria provided, single submitter. Criteria: GeneDx Variant Classification Process June 2021. Collection method: clinical testing. Allele origin: germline. Affected: yes.
Comment: Published functional studies suggest that this variant does not significantly affect enzyme multimerization or activity; however, additional studies are needed (PMID: 32450233); In silico analysis supports that this missense variant has a deleterious effect on protein structure/function; This variant is associated with the following publications: (PMID: 32450233)

PreventionGenetics, part of Exact Sciences
Classification: Uncertain significance for ARG1-related condition. Last evaluated: 2022-08-23. Review status: criteria provided, single submitter. Criteria: ACMG Guidelines, 2015. Collection method: clinical testing. Allele origin: germline.
Comment: The ARG1 c.612C>A variant is predicted to result in the amino acid substitution p.Asp204Glu. To our knowledge, this variant has not been reported in any patients with arginase deficiency. In a functional study, the p.Asp204Glu substitution was reported to not have a significant effect on enzyme multimerization or activity (Lobos et al. 2020. PubMed ID: 32450233). This variant is reported in 0.017% of alleles in individuals of Latino descent in gnomAD. At this time, the clinical significance of this variant is uncertain due to the absence of conclusive functional and genetic evidence.

Literature cited by the submitters: PubMed 32450233 (cited by Labcorp Genetics (formerly Invitae), Labcorp).

NM_000045.4(ARG1):c.612C>A (p.Asp204Glu)

Genes: ARG1 (arginase 1; plus strand), MED23 (mediator complex subunit 23; minus strand). Cytogenetic location: 6q23.2.
Variant type: single nucleotide variant.
Coding change: c.612C>A on transcript NM_000045.4 (MANE Select); coding-DNA position 612, C replaced by A.
Protein change: p.Asp204Glu; replaces aspartic acid 204 with glutamic acid.
Molecular consequence: missense variant. On other transcripts: non-coding transcript variant (1), intron variant (2).
Genome position (GRCh38, 1-based): chr6:131,583,111, C>A. VCF-style: chr6-131583111-C-A. GRCh37 (hg19) VCF-style: chr6-131904251-C-A.
Other names: c.636C>A, p.Asp212Glu (NM_001244438.2); c.357C>A, p.Asp119Glu (NM_001369020.1); c.4077+4598G>T (NM_001270521.2); c.4095+4598G>T (NM_015979.4); short protein forms D212E, D204E, D119E.
Identifiers: ClinVar variation 660386 (VCV000660386.10), dbSNP rs775435820, ClinGen allele CA3999322.